The following is an entry in ClinVar:

NM_021096.4(CACNA1I):c.3941G>C (p.Cys1314Ser)

Gene: CACNA1I (calcium voltage-gated channel subunit alpha1 I; plus strand). Cytogenetic location: 22q13.1.
Variant type: single nucleotide variant.
Coding change: c.3941G>C on transcript NM_021096.4 (MANE Select); coding-DNA position 3941, G replaced by C.
Protein change: p.Cys1314Ser; replaces cysteine 1314 with serine.
Molecular consequence: missense variant.
Genome position (GRCh38, 1-based): chr22:39,665,587, G>C. VCF-style: chr22-39665587-G-C. GRCh37 (hg19) VCF-style: chr22-40061592-G-C.
Other names: c.3836G>C, p.Cys1279Ser (NM_001003406.2); short protein forms C1279S, C1314S.
Identifiers: ClinVar variation 3901620 (VCV003901620.1).

ClinVar aggregate classification (germline): Uncertain significance (1 of 4 stars; one submission).

Submission:

GeneDx
Classification: Uncertain significance. Last evaluated: 2024-12-05. Review status: criteria provided, single submitter. Criteria: GeneDx Variant Classification Process June 2021. Collection method: clinical testing. Allele origin: germline. Affected: yes.
Comment: Not observed at significant frequency in large population cohorts (gnomAD); In silico analysis supports that this missense variant has a deleterious effect on protein structure/function; Has not been previously published as pathogenic or benign to our knowledge